The following is an entry in ClinVar:

NM_005445.4(SMC3):c.1895T>C (p.Ile632Thr)

Gene: SMC3 (structural maintenance of chromosomes 3; plus strand). Cytogenetic location: 10q25.2.
Variant type: single nucleotide variant.
Coding change: c.1895T>C on transcript NM_005445.4 (MANE Select); coding-DNA position 1895, T replaced by C.
Protein change: p.Ile632Thr; replaces isoleucine 632 with threonine.
Molecular consequence: missense variant.
Genome position (GRCh38, 1-based): chr10:110,593,155, T>C. VCF-style: chr10-110593155-T-C. GRCh37 (hg19) VCF-style: chr10-112352913-T-C.
Other names: short protein forms I632T.
Identifiers: ClinVar variation 2571794 (VCV002571794.1), dbSNP rs2134740203, ClinGen allele CA378390449.

ClinVar aggregate classification (germline): Uncertain significance (1 of 4 stars; one submission).

Submission:

GeneDx
Classification: Uncertain significance. Last evaluated: 2023-01-10. Review status: criteria provided, single submitter. Criteria: GeneDx Variant Classification Process June 2021. Collection method: clinical testing. Allele origin: germline. Affected: yes.
Comment: Not observed at significant frequency in large population cohorts (gnomAD); In silico analysis supports that this missense variant has a deleterious effect on protein structure/function; Has not been previously published as pathogenic or benign to our knowledge